The following is an entry in ClinVar:

NM_007294.4(BRCA1):c.4186-1676_4484+839dup

Gene: BRCA1 (BRCA1 DNA repair associated; minus strand). Cytogenetic location: 17q21.31.
Variant type: Duplication.
Coding change: c.4186-1676_4484+839dup on transcript NM_007294.4 (MANE Select); 1676 bases into the intron before coding-DNA position 4186 through 839 bases into the intron after coding-DNA position 4484, 8,603 bases duplicated.
Molecular consequence: splice acceptor variant, splice donor variant.
Genome position (GRCh38, 1-based): chr17:43,075,649-43,084,251, 8,603 bases duplicated. GRCh37 (hg19): chr17:41,227,667-41,236,269.
Other names: c.4183-1676_4478+839dup (NM_001407636.1, NM_001407637.1, NM_001407861.1 and 4 more transcripts); c.667-1679_836-4411dup (NM_001408513.1); c.4183-1676_4481+839dup (NM_001407612.1, NM_001407613.1, NM_001407860.1 and 4 more transcripts); c.610-1676_908+839dup (NM_001408503.1, NM_001408504.1); c.754-1676_1049+839dup (NM_001408440.1, NM_001408436.1, NM_001408439.1 and 2 more transcripts); c.4042-1676_4340+839dup (NM_001407943.1, NM_001407748.1, NM_001407747.1 and 8 more transcripts); c.754-1676_1052+839dup (NM_001408428.1, NM_001408425.1, NM_001408430.1 and 3 more transcripts); c.4063-1676_4361+839dup (NM_001407666.1, NM_001407665.1, NM_001407664.1 and 6 more transcripts); and 120 more.
Identifiers: ClinVar variation 1738529 (VCV001738529.2).

ClinVar aggregate classification (germline): Pathogenic (1 of 4 stars; one submission).

Conditions:
Hereditary cancer-predisposing syndrome. Also called: Hereditary Cancer Syndrome; Hereditary neoplastic syndrome; Neoplastic Syndromes, Hereditary; Tumor predisposition. Identifiers: Orphanet 140162, MedGen C0027672, MeSH D009386, MONDO:0015356.

Submission:

Ambry Genetics
Classification: Pathogenic for Hereditary cancer-predisposing syndrome. Last evaluated: 2017-05-01. Review status: criteria provided, single submitter. Criteria: Ambry Variant Classification Scheme 2023. Collection method: clinical testing. Allele origin: germline.
Comment: The EX11_12dup gross duplication spans coding exons 11 through 12 in the BRCA1 gene. Additional analysis to determine breakpoints identified that this duplication is in tandem and is predicted to result in a premature truncation causing a translational frameshift with a predicted alternate stop codon (Ambry internal data). As such, this alteration is interpreted as a disease-causing mutation.